The following is an entry in ClinVar:

NM_004959.5(NR5A1):c.-6G>A

Gene: NR5A1 (nuclear receptor subfamily 5 group A member 1; minus strand). Cytogenetic location: 9q33.3.
Variant type: single nucleotide variant.
Coding change: c.-6G>A on transcript NM_004959.5 (MANE Select); 6 bases upstream of the start codon, G replaced by A.
Molecular consequence: 5 prime UTR variant.
Genome position (GRCh38, 1-based): chr9:124,503,401, C>T on the plus strand (G>A on the coding strand, the complement: NR5A1 is on the minus strand). VCF-style: chr9-124503401-C-T. GRCh37 (hg19) VCF-style: chr9-127265680-C-T.
Identifiers: ClinVar variation 2571774 (VCV002571774.1), dbSNP rs571770910, ClinGen allele CA5235588.
Genomic context (GRCh38, chr9:124,503,401, plus strand): 5'-TGTCCCCGCACACGGGGCACAGCTCGTCCAGGTCCTCGTCGTACGAATAGTCCATGCCCG[C>T]GGCGTCCGCCTGCGGAGGGACAGCGGGTCAGGGAGGGCCGGCGGAGACCGGCAGCCTGGG-3'

ClinVar aggregate classification (germline): Uncertain significance (1 of 4 stars; one submission).

Allele frequency attached by ClinVar (database versions not stated): gnomAD 0.00004; TOPMed 0.00006; 1000 Genomes Project 30x 0.00016; 1000 Genomes Project 0.00020; ExAC 0.00023.
gnomAD v4.1: 67 of 1,604,898 alleles (0.0042%); highest among the groups gnomAD compares: Admixed American, 0.11%; 1 homozygote.

Submission:

GeneDx
Classification: Uncertain significance. Last evaluated: 2023-01-08. Review status: criteria provided, single submitter. Criteria: GeneDx Variant Classification Process June 2021. Collection method: clinical testing. Allele origin: germline. Affected: yes.
Comment: Has not been previously published as pathogenic or benign to our knowledge